The following is an entry in ClinVar:

NM_015450.3(POT1):c.314C>A (p.Thr105Lys)

Gene: POT1 (protection of telomeres 1; minus strand). Cytogenetic location: 7q31.33.
Variant type: single nucleotide variant.
Coding change: c.314C>A on transcript NM_015450.3 (MANE Select); coding-DNA position 314, C replaced by A.
Protein change: p.Thr105Lys; replaces threonine 105 with lysine.
Molecular consequence: missense variant. On other transcripts: 5 prime UTR variant (1), non-coding transcript variant (3).
Genome position (GRCh38, 1-based): chr7:124,863,582, G>T on the plus strand (C>A on the coding strand, the complement: POT1 is on the minus strand). VCF-style: chr7-124863582-G-T. GRCh37 (hg19) VCF-style: chr7-124503636-G-T.
Other names: c.-80C>A (NM_001042594.2); short protein forms T105K.
Identifiers: ClinVar variation 4673835 (VCV004673835.1).

ClinVar aggregate classification (germline): Uncertain significance (1 of 4 stars; one submission).

Conditions:
Hereditary cancer-predisposing syndrome. Also called: Neoplastic Syndromes, Hereditary; Tumor predisposition; Hereditary Cancer Syndrome; Hereditary neoplastic syndrome. Identifiers: Orphanet 140162, MedGen C0027672, MeSH D009386, MONDO:0015356.

Submission:

Ambry Genetics
Classification: Uncertain significance for Hereditary cancer-predisposing syndrome. Last evaluated: 2025-11-19. Review status: criteria provided, single submitter. Criteria: Ambry Variant Classification Scheme 2023. Collection method: clinical testing. Allele origin: germline.
Comment: The p.T105K variant (also known as c.314C>A), located in coding exon 4 of the POT1 gene, results from a C to A substitution at nucleotide position 314. The threonine at codon 105 is replaced by lysine, an amino acid with similar properties. This amino acid position is highly conserved in available vertebrate species. In addition, the in silico prediction for this alteration is inconclusive. Based on the available evidence, the clinical significance of this variant remains unclear.